The following is an entry in ClinVar:

ClinVar aggregate classification (germline): Uncertain significance (1 of 4 stars; one submission).

gnomAD v4.1: 3 of 498,749 alleles (0.0006%); highest among the groups gnomAD compares: Admixed American, 0.0055%; no homozygotes.

Submission:

Labcorp Genetics (formerly Invitae), Labcorp
Classification: Uncertain significance. Last evaluated: 2024-11-28. Review status: criteria provided, single submitter. Criteria: Invitae Variant Classification Sherloc (09022015). Collection method: clinical testing. Allele origin: germline.
Comment: This sequence change replaces alanine, which is neutral and non-polar, with serine, which is neutral and polar, at codon 12 of the GYG2 protein (p.Ala12Ser). The frequency data for this variant in the population databases is considered unreliable, as metrics indicate poor data quality at this position in the gnomAD database. This variant has not been reported in the literature in individuals affected with GYG2-related conditions. An algorithm developed to predict the effect of missense changes on protein structure and function (PolyPhen-2) suggests that this variant is likely to be tolerated. In summary, the available evidence is currently insufficient to determine the role of this variant in disease. Therefore, it has been classified as a Variant of Uncertain Significance.

NM_001079855.2(GYG2):c.8-189G>T

Gene: GYG2 (glycogenin 2; plus strand). Cytogenetic location: Xp22.33.
Variant type: single nucleotide variant.
Coding change: c.8-189G>T on transcript NM_001079855.2 (MANE Select); 189 bases into the intron before coding-DNA position 8, G replaced by T.
Molecular consequence: intron variant. On other transcripts: missense variant (2).
Genome position (GRCh38, 1-based): chrX:2,843,024, G>T. VCF-style: chrX-2843024-G-T. GRCh37 (hg19) VCF-style: chrX-2761065-G-T.
Other names: c.34G>T, p.Ala12Ser (NM_001184703.2, NM_003918.3); c.8-189G>T (NM_001184702.2); c.-316-10956G>T (NM_001184704.2); short protein forms A12S.
Identifiers: ClinVar variation 3605381 (VCV003605381.2).